The following is an entry in ClinVar:

NM_018006.5(TRMU):c.370G>A (p.Ala124Thr)

Gene: TRMU (tRNA mitochondrial 2-thiouridylase; plus strand). Cytogenetic location: 22q13.31.
Variant type: single nucleotide variant.
Coding change: c.370G>A on transcript NM_018006.5 (MANE Select); coding-DNA position 370, G replaced by A.
Protein change: p.Ala124Thr; replaces alanine 124 with threonine.
Molecular consequence: missense variant. On other transcripts: synonymous variant (2), non-coding transcript variant (2).
Genome position (GRCh38, 1-based): chr22:46,346,436, G>A. VCF-style: chr22-46346436-G-A. GRCh37 (hg19) VCF-style: chr22-46742333-G-A.
Other names: c.28G>A, p.Ala10Thr (NM_001282782.2); c.9G>A, p.Leu3= (NM_001282783.2, NM_001282784.2); c.370G>A, p.Ala124Thr (NM_001282785.2); short protein forms A124T, A10T.
Identifiers: ClinVar variation 4997949 (VCV004997949.1).

ClinVar aggregate classification (germline): Uncertain significance (1 of 4 stars; one submission).

Conditions:
TRMU-related disorder. Also called: TRMU-related condition.

Submission:

PreventionGenetics, part of Exact Sciences
Classification: Uncertain significance for TRMU-related condition. Last evaluated: 2025-01-29. Review status: criteria provided, single submitter. Criteria: ACMG Guidelines, 2015. Collection method: clinical testing. Allele origin: germline.
Comment: The TRMU c.370G>A variant is predicted to result in the amino acid substitution p.Ala124Thr. To our knowledge, this variant has not been reported in the literature or in a large population database (gnomAD), indicating this variant is rare. At this time, the clinical significance of this variant is uncertain due to the absence of conclusive functional and genetic evidence.